The following is an entry in ClinVar:

NM_014053.4(FLVCR1):c.1616A>C (p.Asp539Ala)

Gene: FLVCR1 (FLVCR choline and heme transporter 1; plus strand). Cytogenetic location: 1q32.3.
Variant type: single nucleotide variant.
Coding change: c.1616A>C on transcript NM_014053.4 (MANE Select); coding-DNA position 1616, A replaced by C.
Protein change: p.Asp539Ala; replaces aspartic acid 539 with alanine.
Molecular consequence: missense variant.
Genome position (GRCh38, 1-based): chr1:212,895,238, A>C. VCF-style: chr1-212895238-A-C. GRCh37 (hg19) VCF-style: chr1-213068580-A-C.
Other names: short protein forms D539A.
Identifiers: ClinVar variation 1469770 (VCV001469770.6), dbSNP rs2102577200, ClinGen allele CA344794414.

ClinVar aggregate classification (germline): Uncertain significance (1 of 4 stars; one submission).

Submission:

Labcorp Genetics (formerly Invitae), Labcorp
Classification: Uncertain significance. Last evaluated: 2022-02-24. Review status: criteria provided, single submitter. Criteria: Invitae Variant Classification Sherloc (09022015). Collection method: clinical testing. Allele origin: germline.
Comment: This variant is not present in population databases (gnomAD no frequency). This sequence change replaces aspartic acid, which is acidic and polar, with alanine, which is neutral and non-polar, at codon 539 of the FLVCR1 protein (p.Asp539Ala). This variant has not been reported in the literature in individuals affected with FLVCR1-related conditions. In summary, the available evidence is currently insufficient to determine the role of this variant in disease. Therefore, it has been classified as a Variant of Uncertain Significance. Algorithms developed to predict the effect of missense changes on protein structure and function (SIFT, PolyPhen-2, Align-GVGD) all suggest that this variant is likely to be tolerated.